The following is an entry in ClinVar:

NM_198252.3(GSN):c.638G>A (p.Gly213Asp)

Gene: GSN (gelsolin; plus strand). Cytogenetic location: 9q33.2.
Variant type: single nucleotide variant.
Coding change: c.638G>A on transcript NM_198252.3 (MANE Select); coding-DNA position 638, G replaced by A.
Protein change: p.Gly213Asp; replaces glycine 213 with aspartic acid.
Molecular consequence: missense variant. On other transcripts: 5 prime UTR variant (1).
Genome position (GRCh38, 1-based): chr9:121,312,463, G>A. VCF-style: chr9-121312463-G-A. GRCh37 (hg19) VCF-style: chr9-124074741-G-A.
Other names: c.791G>A, p.Gly264Asp (NM_000177.5); c.638G>A, p.Gly213Asp (NM_001127662.2, NM_001127664.2, NM_001127665.2 and 10 more transcripts); c.746G>A, p.Gly249Asp (NM_001127663.2); c.671G>A, p.Gly224Asp (NM_001127666.2, NM_001127667.2, NM_001353063.2 and 13 more transcripts); c.689G>A, p.Gly230Asp (NM_001258029.2); c.662G>A, p.Gly221Asp (NM_001258030.2); c.710G>A, p.Gly237Asp (NM_001353076.2); c.-17G>A (NM_001353078.2); and 1 more; short protein forms G224D, G237D, G249D, G230D, G213D, G221D, G264D.
Identifiers: ClinVar variation 1443165 (VCV001443165.13), dbSNP rs371320840, ClinGen allele CA5220957.
Genomic context (GRCh38, chr9:121,312,463, plus strand): 5'-CCAAGGGCATCCGGGACAACGAGCGGAGTGGCCGGGCCCGAGTGCACGTGTCTGAGGAGG[G>A]CACTGAGCCCGAGGCGATGCTCCAGGTGCCTGTGGGGTGCGCAATGGGGTGGCCATGGGG-3'
Protein context (NP_937895.1, residues 203-223): GRARVHVSEE[Gly213Asp]TEPEAMLQVL

ClinVar aggregate classification (germline): Uncertain significance. Review status: criteria provided, multiple submitters, no conflicts (2 of 4 stars). 3 submissions from 3 submitters: Uncertain significance (3). Last evaluated 2025-10-03.

Conditions:
Finnish type amyloidosis. Also called: Amyloidosis, familial, Finnish type; Meretoja type amyloidosis; Amyloidosis 5; AMYLOIDOSIS, HEREDITARY SYSTEMIC 4, FINNISH TYPE; AMYLOID CRANIAL NEUROPATHY WITH LATTICE CORNEAL DYSTROPHY; AMYLOIDOSIS DUE TO MUTANT GELSOLIN. Identifiers: Orphanet 85448, MedGen C1622345, MONDO:0007097, OMIM 105120.
Inborn genetic diseases. Identifiers: MedGen C0950123, MeSH D030342.

Allele frequency attached by ClinVar (database versions not stated): gnomAD exomes below 0.00001 and 0.00002; ExAC 0.00002; gnomAD 0.00006 and 0.00007; TOPMed 0.00006; ESP Exome Variant Server 0.00008; 1000 Genomes Project 30x 0.00016; 1000 Genomes Project 0.00020.
gnomAD v4.1: 16 of 1,613,704 alleles (0.00099%); highest among the groups gnomAD compares: African/African-American, 0.012%; no homozygotes.

Submissions (3):

Labcorp Genetics (formerly Invitae), Labcorp
Classification: Uncertain significance. Last evaluated: 2025-10-03. Review status: criteria provided, single submitter. Criteria: Invitae Variant Classification Sherloc (09022015). Collection method: clinical testing. Allele origin: germline.
Comment: This sequence change replaces glycine, which is neutral and non-polar, with aspartic acid, which is acidic and polar, at codon 264 of the GSN protein (p.Gly264Asp). This variant is present in population databases (rs371320840, gnomAD 0.01%). This variant has not been reported in the literature in individuals affected with GSN-related conditions. ClinVar contains an entry for this variant (Variation ID: 1443165). Invitae Evidence Modeling of protein sequence and biophysical properties (such as structural, functional, and spatial information, amino acid conservation, physicochemical variation, residue mobility, and thermodynamic stability) indicates that this missense variant is not expected to disrupt GSN protein function with a negative predictive value of 80%. In summary, the available evidence is currently insufficient to determine the role of this variant in disease. Therefore, it has been classified as a Variant of Uncertain Significance.

Ambry Genetics
Classification: Uncertain significance for Inborn genetic diseases. Last evaluated: 2025-04-08. Review status: criteria provided, single submitter. Criteria: Ambry Variant Classification Scheme 2023. Collection method: clinical testing. Allele origin: germline.

Fulgent Genetics
Classification: Uncertain significance for Finnish type amyloidosis. Last evaluated: 2024-05-15. Review status: criteria provided, single submitter. Criteria: ACMG Guidelines, 2015. Collection method: clinical testing. Allele origin: germline.